The following is an entry in ClinVar:

ClinVar aggregate classification (germline): Uncertain significance (1 of 4 stars; one submission).

Conditions:
Hereditary insensitivity to pain with anhidrosis (CIPA). Also called: NTRK1 Congenital Insensitivity to Pain with Anhidrosis; HSAN Type IV; FAMILIAL DYSAUTONOMIA, TYPE II; INSENSITIVITY TO PAIN, CONGENITAL, WITH ANHIDROSIS; NEUROPATHY, CONGENITAL SENSORY, WITH ANHIDROSIS; hereditary sensory and autonomic neuropathy type 4. Identifiers: Orphanet 642, MedGen C0020074, MONDO:0009746, OMIM 256800.

Allele frequency attached by ClinVar (database versions not stated): TOPMed 0.00001.

Submission:

Labcorp Genetics (formerly Invitae), Labcorp
Classification: Uncertain significance for Hereditary insensitivity to pain with anhidrosis. Last evaluated: 2021-08-27. Review status: criteria provided, single submitter. Criteria: Invitae Variant Classification Sherloc (09022015). Collection method: clinical testing. Allele origin: germline.
Comment: This sequence change affects codon 340 of the NTRK1 mRNA. It is a 'silent' change, meaning that it does not change the encoded amino acid sequence of the NTRK1 protein. This variant is not present in population databases (ExAC no frequency). This variant has not been reported in the literature in individuals affected with NTRK1-related conditions. Algorithms developed to predict the effect of sequence changes on RNA splicing suggest that this variant may create or strengthen a splice site. In summary, the available evidence is currently insufficient to determine the role of this variant in disease. Therefore, it has been classified as a Variant of Uncertain Significance.

NM_002529.4(NTRK1):c.1020C>G (p.Thr340=)

Gene: NTRK1 (neurotrophic receptor tyrosine kinase 1; plus strand). Cytogenetic location: 1q23.1.
Variant type: single nucleotide variant.
Coding change: c.1020C>G on transcript NM_002529.4 (MANE Select); coding-DNA position 1020, C replaced by G.
Protein change: p.Thr340=; no amino-acid change (threonine 340 retained).
Molecular consequence: synonymous variant.
Genome position (GRCh38, 1-based): chr1:156,873,802, C>G. VCF-style: chr1-156873802-C-G. GRCh37 (hg19) VCF-style: chr1-156843594-C-G.
Other names: c.930C>G, p.Thr310= (NM_001007792.1); c.1020C>G, p.Thr340= (NM_001012331.2).
Identifiers: ClinVar variation 1391953 (VCV001391953.5), dbSNP rs781390842, ClinGen allele CA421271464.